The following is an entry in ClinVar:

ClinVar aggregate classification (germline): Likely benign. Review status: criteria provided, multiple submitters, no conflicts (2 of 4 stars). 3 submissions from 3 submitters: Likely benign (2). 1 of the submissions does not count toward it. Last evaluated 2025-05-19.

Conditions:
Rubinstein-Taybi syndrome due to EP300 haploinsufficiency. Also called: EP300-Related Rubinstein-Taybi Syndrome; RUBINSTEIN-TAYBI SYNDROME 2. Identifiers: Orphanet 353284, Orphanet 783, MedGen C3150941, MONDO:0013364, OMIM 613684.
EP300-related disorder. Also called: EP300-related disorders; EP300-related condition.

Allele frequency attached by ClinVar (database versions not stated): ExAC 0.00002; TOPMed 0.00002; gnomAD 0.00004.
gnomAD v4.1: 52 of 1,613,920 alleles (0.0032%); highest among the groups gnomAD compares: Non-Finnish European, 0.0042%; no homozygotes.

Submissions (3):

Labcorp Genetics (formerly Invitae), Labcorp
Classification: Likely benign for Rubinstein-Taybi syndrome due to EP300 haploinsufficiency. Last evaluated: 2025-05-19. Review status: criteria provided, single submitter. Criteria: Invitae Variant Classification Sherloc (09022015). Collection method: clinical testing. Allele origin: germline.

CeGaT Center for Human Genetics Tuebingen
Classification: Likely benign. Last evaluated: 2023-07-01. Review status: criteria provided, single submitter. Criteria: CeGaT Center For Human Genetics Tuebingen Variant Classification Criteria Version 2. Collection method: clinical testing. Allele origin: germline. Affected: yes. Observed: 1 variant allele.
Comment: EP300: BP4, BP7

PreventionGenetics, part of Exact Sciences
Classification: Likely benign for EP300-related condition. Last evaluated: 2022-04-21. Review status: no assertion criteria provided. Collection method: clinical testing. Allele origin: germline. Not counted in ClinVar's aggregate classification.
Comment: This variant is classified as likely benign based on ACMG/AMP sequence variant interpretation guidelines (Richards et al. 2015 PMID: 25741868, with internal and published modifications).

NM_001429.4(EP300):c.3216C>T (p.Ser1072=)

Gene: EP300 (EP300 lysine acetyltransferase; plus strand). Cytogenetic location: 22q13.2.
Variant type: single nucleotide variant.
Coding change: c.3216C>T on transcript NM_001429.4 (MANE Select); coding-DNA position 3216, C replaced by T.
Protein change: p.Ser1072=; no amino-acid change (serine 1072 retained).
Molecular consequence: synonymous variant.
Genome position (GRCh38, 1-based): chr22:41,155,068, C>T. VCF-style: chr22-41155068-C-T. GRCh37 (hg19) VCF-style: chr22-41551072-C-T.
Other names: c.3138C>T, p.Ser1046= (NM_001362843.2); c.3216C>T (NM_001429.3).
Identifiers: ClinVar variation 2141467 (VCV002141467.28), dbSNP rs764807486, ClinGen allele CA10253068.